The following is an entry in ClinVar:

ClinVar aggregate classification (germline): Uncertain significance (1 of 4 stars; one submission).

Conditions:
Progressive microcephaly-seizures-cortical blindness-developmental delay syndrome. Also called: Seizures, cortical blindness, and microcephaly syndrome. Identifiers: Orphanet 477814, MedGen C5567650, MONDO:0014714, OMIM 616632.
Autosomal dominant nonsyndromic hearing loss 1. Also called: DEAFNESS, AUTOSOMAL DOMINANT 1, WITH OR WITHOUT THROMBOCYTOPENIA; KONIGSMARK SYNDROME. Identifiers: Orphanet 90635, MedGen C1852282, MONDO:0007424, OMIM 124900.

Submission:

Labcorp Genetics (formerly Invitae), Labcorp
Classification: Uncertain significance for Progressive microcephaly-seizures-cortical blindness-developmental delay syndrome; Autosomal dominant nonsyndromic hearing loss 1. Last evaluated: 2022-08-09. Review status: criteria provided, single submitter. Criteria: Invitae Variant Classification Sherloc (09022015). Collection method: clinical testing. Allele origin: germline.
Comment: This sequence change replaces lysine, which is basic and polar, with arginine, which is basic and polar, at codon 17 of the DIAPH1 protein (p.Lys17Arg). This variant is not present in population databases (gnomAD no frequency). In summary, the available evidence is currently insufficient to determine the role of this variant in disease. Therefore, it has been classified as a Variant of Uncertain Significance. Algorithms developed to predict the effect of sequence changes on RNA splicing suggest that this variant may create or strengthen a splice site. Algorithms developed to predict the effect of missense changes on protein structure and function are either unavailable or do not agree on the potential impact of this missense change (SIFT: "Tolerated"; PolyPhen-2: "Not Available"; Align-GVGD: "Class C0"). ClinVar contains an entry for this variant (Variation ID: 947344). This variant has not been reported in the literature in individuals affected with DIAPH1-related conditions.

NM_005219.5(DIAPH1):c.50A>G (p.Lys17Arg)

Gene: DIAPH1 (diaphanous related formin 1; minus strand). Cytogenetic location: 5q31.3.
Variant type: single nucleotide variant.
Coding change: c.50A>G on transcript NM_005219.5 (MANE Select); coding-DNA position 50, A replaced by G.
Protein change: p.Lys17Arg; replaces lysine 17 with arginine.
Molecular consequence: missense variant.
Genome position (GRCh38, 1-based): chr5:141,618,865, T>C on the plus strand (A>G on the coding strand, the complement: DIAPH1 is on the minus strand). VCF-style: chr5-141618865-T-C. GRCh37 (hg19) VCF-style: chr5-140998432-T-C.
Other names: c.50A>G, p.Lys17Arg (NM_001079812.3, NM_001314007.2); short protein forms K17R.
Identifiers: ClinVar variation 947344 (VCV000947344.10), dbSNP rs2099903137, ClinGen allele CA361508733.
Genomic context (GRCh38, chr5:141,618,865, plus strand): 5'-TTAGATTTGCCGCCGTCGCCGCCCGCCGAGGGCAGCTCATCTGGGCTCCGGCCCTTCTTC[T>C]TGTCCCGGGTCCCGCGGCCGGGCCCCAGGCTCCCGCCGGGCGGCTCCATGTCCCGGTTCA-3'
Protein context (NP_005210.3, residues 7-27): SLGPGRGTRD[Lys17Arg]KKGRSPDELP